The following is an entry in ClinVar:

ClinVar aggregate classification (germline): Uncertain significance (1 of 4 stars; one submission).

Conditions:
Autosomal recessive limb-girdle muscular dystrophy type 2Y (MRRSDC). Also called: Muscular dystrophy, limb-girdle, type 2y; Muscular dystrophy, autosomal recessive, with rigid spine and distal joint contractures. Identifiers: Orphanet 424261, MedGen C4511482, MONDO:0014900, OMIM 617072.

Submission:

Labcorp Genetics (formerly Invitae), Labcorp
Classification: Uncertain significance for Autosomal recessive limb-girdle muscular dystrophy type 2Y. Last evaluated: 2021-07-14. Review status: criteria provided, single submitter. Criteria: Invitae Variant Classification Sherloc (09022015). Collection method: clinical testing. Allele origin: germline.
Comment: In summary, the available evidence is currently insufficient to determine the role of this variant in disease. Therefore, it has been classified as a Variant of Uncertain Significance. Algorithms developed to predict the effect of sequence changes on RNA splicing suggest that this variant may create or strengthen a splice site. Algorithms developed to predict the effect of missense changes on protein structure and function output the following: SIFT: "Tolerated"; PolyPhen-2: "Benign"; Align-GVGD: "Class C0". The valine amino acid residue is found in multiple mammalian species, which suggests that this missense change does not adversely affect protein function. This variant has not been reported in the literature in individuals affected with TOR1AIP1-related conditions. This variant is not present in population databases (ExAC no frequency). This sequence change replaces leucine with valine at codon 312 of the TOR1AIP1 protein (p.Leu312Val). The leucine residue is moderately conserved and there is a small physicochemical difference between leucine and valine.

NM_015602.4(TOR1AIP1):c.931C>G (p.Leu311Val)

Gene: TOR1AIP1 (torsin 1A interacting protein 1; plus strand). Cytogenetic location: 1q25.2.
Variant type: single nucleotide variant.
Coding change: c.931C>G on transcript NM_015602.4 (MANE Select); coding-DNA position 931, C replaced by G.
Protein change: p.Leu311Val; replaces leucine 311 with valine.
Molecular consequence: missense variant.
Genome position (GRCh38, 1-based): chr1:179,914,021, C>G. VCF-style: chr1-179914021-C-G. GRCh37 (hg19) VCF-style: chr1-179883156-C-G.
Other names: c.934C>G, p.Leu312Val (NM_001267578.2); short protein forms L312V, L311V.
Identifiers: ClinVar variation 1490374 (VCV001490374.8), dbSNP rs2148482585, ClinGen allele CA343571905.